The following is an entry in ClinVar:

NM_018714.3(COG1):c.2482A>G (p.Lys828Glu)

Gene: COG1 (component of oligomeric golgi complex 1; plus strand). Cytogenetic location: 17q25.1.
Variant type: single nucleotide variant.
Coding change: c.2482A>G on transcript NM_018714.3 (MANE Select); coding-DNA position 2482, A replaced by G.
Protein change: p.Lys828Glu; replaces lysine 828 with glutamic acid.
Molecular consequence: missense variant.
Genome position (GRCh38, 1-based): chr17:73,205,652, A>G. VCF-style: chr17-73205652-A-G. GRCh37 (hg19) VCF-style: chr17-71201791-A-G.
Other names: short protein forms K828E.
Identifiers: ClinVar variation 889029 (VCV000889029.11), dbSNP rs1011259443, ClinGen allele CA293810788.

ClinVar aggregate classification (germline): Uncertain significance. Review status: criteria provided, multiple submitters, no conflicts (2 of 4 stars). 3 submissions from 3 submitters: Uncertain significance (3). Last evaluated 2025-08-25.

Conditions:
Inborn genetic diseases. Identifiers: MedGen C0950123, MeSH D030342.
COG1 congenital disorder of glycosylation (CDG2G). Also called: CONGENITAL DISORDER OF GLYCOSYLATION, TYPE IIg; CDG IIg; CDGII/COG1 CEREBROCOSTOMANDIBULAR-LIKE SYNDROME. Identifiers: Orphanet 263508, MedGen C2931011, MONDO:0012637, OMIM 611209.

Allele frequency attached by ClinVar (database versions not stated): gnomAD 0.00012 and 0.00013; TOPMed 0.00026.
gnomAD v4.1: 30 of 1,613,810 alleles (0.0019%); highest among the groups gnomAD compares: Admixed American, 0.035%; no homozygotes.

Submissions (3):

Ambry Genetics
Classification: Uncertain significance for Inborn genetic diseases. Last evaluated: 2025-08-25. Review status: criteria provided, single submitter. Criteria: Ambry Variant Classification Scheme 2023. Collection method: clinical testing. Allele origin: germline.

Labcorp Genetics (formerly Invitae), Labcorp
Classification: Uncertain significance for COG1 congenital disorder of glycosylation. Last evaluated: 2022-08-16. Review status: criteria provided, single submitter. Criteria: Invitae Variant Classification Sherloc (09022015). Collection method: clinical testing. Allele origin: germline.
Comment: This sequence change replaces lysine, which is basic and polar, with glutamic acid, which is acidic and polar, at codon 828 of the COG1 protein (p.Lys828Glu). This variant is not present in population databases (gnomAD no frequency). This variant has not been reported in the literature in individuals affected with COG1-related conditions. ClinVar contains an entry for this variant (Variation ID: 889029). Algorithms developed to predict the effect of missense changes on protein structure and function are either unavailable or do not agree on the potential impact of this missense change (SIFT: "Deleterious"; PolyPhen-2: "Benign"; Align-GVGD: "Class C0"). Algorithms developed to predict the effect of sequence changes on RNA splicing suggest that this variant may disrupt the consensus splice site. In summary, the available evidence is currently insufficient to determine the role of this variant in disease. Therefore, it has been classified as a Variant of Uncertain Significance.

Illumina Laboratory Services, Illumina
Classification: Uncertain significance for COG1 congenital disorder of glycosylation. Last evaluated: 2018-01-13. Review status: criteria provided, single submitter. Criteria: ICSL Variant Classification Criteria 13 December 2019. Collection method: clinical testing. Allele origin: germline.